The following is an entry in ClinVar:

NM_000059.4(BRCA2):c.7806-288G>A

Gene: BRCA2 (BRCA2 DNA repair associated; plus strand). Cytogenetic location: 13q13.1.
Variant type: single nucleotide variant.
Coding change: c.7806-288G>A on transcript NM_000059.4 (MANE Select); 288 bases into the intron before coding-DNA position 7806, G replaced by A.
Molecular consequence: intron variant.
Genome position (GRCh38, 1-based): chr13:32,362,235, G>A. VCF-style: chr13-32362235-G-A. GRCh37 (hg19) VCF-style: chr13-32936372-G-A.
Other names: IVS 16-288G>A.
Identifiers: ClinVar variation 209776 (VCV000209776.4), dbSNP rs147319311, ClinGen allele CA276744.

ClinVar aggregate classification (germline): Benign. Review status: reviewed by expert panel (3 of 4 stars). 2 submissions from 2 submitters: Benign (1). 1 of the submissions does not count toward it. Last evaluated 2015-01-12.

Conditions:
Breast-ovarian cancer, familial, susceptibility to, 2 (BROVCA2). Also called: BRCA2 Hereditary Breast and Ovarian Cancer. Identifiers: Orphanet 145, MedGen C2675520, MONDO:0012933, OMIM 612555. Disease mechanism: loss of function.

Allele frequency attached by ClinVar (database versions not stated): 1000 Genomes Project 30x 0.00250; 1000 Genomes Project 0.00260; TOPMed 0.00287; gnomAD 0.00409 and 0.00430.
gnomAD v4.1: 624 of 152,108 alleles (0.41%); highest among the groups gnomAD compares: Non-Finnish European, 0.47%; 5 homozygotes.

Submissions (2):

Evidence-based Network for the Interpretation of Germline Mutant Alleles (ENIGMA)
Classification: Benign for Breast-ovarian cancer, familial 2. Last evaluated: 2015-01-12. Review status: reviewed by expert panel. Criteria: ENIGMA BRCA1/2 Classification Criteria (2015). Collection method: curation. Allele origin: germline.
Comment: Class 1 not pathogenic based on frequency >1% in an outbred sampleset. Frequency 0.01187 (European), derived from 1000 genomes (2012-04-30).

GeneDx
Classification: Likely benign. Last evaluated: 2019-02-04. Review status: criteria provided, single submitter. Criteria: GeneDx Variant Classification Process June 2021. Collection method: clinical testing. Allele origin: germline. Affected: yes. Not counted in ClinVar's aggregate classification.